The following is an entry in ClinVar:

ClinVar aggregate classification (germline): Benign. Review status: criteria provided, multiple submitters, no conflicts (2 of 4 stars). 2 submissions from 2 submitters: Benign (2). Last evaluated 2018-01-13.

Conditions:
Joubert syndrome 15 (JBTS15). Identifiers: Orphanet 475, MedGen C3280897, MONDO:0013763, OMIM 614464.

Allele frequency attached by ClinVar (database versions not stated): gnomAD exomes 0.50916 and 0.50934; ExAC 0.53683; gnomAD 0.53754 and 0.54035; TOPMed 0.54166; 1000 Genomes Project 30x 0.55512; 1000 Genomes Project 0.55531.
gnomAD v4.1: 234,405 of 451,426 alleles (52%); highest among the groups gnomAD compares: African/African-American, 63%; 61,491 homozygotes.

Submissions (2):

Illumina Laboratory Services, Illumina
Classification: Benign for Joubert syndrome 15. Last evaluated: 2018-01-13. Review status: criteria provided, single submitter. Criteria: ICSL Variant Classification Criteria 13 December 2019. Collection method: clinical testing. Allele origin: germline.
Comment: This variant was observed in the ICSL laboratory as part of a predisposition screen in an ostensibly healthy population. It had not been previously curated by ICSL or reported in the Human Gene Mutation Database (HGMD: prior to June 1st, 2018), and was therefore a candidate for classification through an automated scoring system. Utilizing variant allele frequency, disease prevalence and penetrance estimates, and inheritance mode, an automated score was calculated to assess if this variant is too frequent to cause the disease. Based on the score and internal cut-off values, a variant classified as benign is not then subjected to further curation. The score for this variant resulted in a classification of benign for this disease.

Breakthrough Genomics
Classification: Benign. Review status: criteria provided, single submitter. Criteria: ACMG Guidelines, 2015. Collection method: not provided. Allele origin: germline. Inheritance: Autosomal recessive inheritance. Affected: yes.

NM_018718.3(CEP41):c.*5102G>A

Gene: CEP41 (centrosomal protein 41; minus strand). Cytogenetic location: 7q32.2.
Variant type: single nucleotide variant.
Coding change: c.*5102G>A on transcript NM_018718.3 (MANE Select); 5102 bases downstream of the stop codon, G replaced by A.
Molecular consequence: 3 prime UTR variant. On other transcripts: non-coding transcript variant (1).
Genome position (GRCh38, 1-based): chr7:130,393,789, C>T on the plus strand (G>A on the coding strand, the complement: CEP41 is on the minus strand). VCF-style: chr7-130393789-C-T. GRCh37 (hg19) VCF-style: chr7-130033630-C-T.
Other names: c.*5102G>A (NM_001257158.2, NM_001257159.2).
Identifiers: ClinVar variation 358883 (VCV000358883.6), dbSNP rs1990790, ClinGen allele CA4485102.